The following is an entry in ClinVar:

NM_000051.4(ATM):c.6598G>T (p.Glu2200Ter)

Genes: ATM (ATM serine/threonine kinase; plus strand), C11orf65 (chromosome 11 open reading frame 65; minus strand). Cytogenetic location: 11q22.3.
Variant type: single nucleotide variant.
Coding change: c.6598G>T on transcript NM_000051.4 (MANE Select); coding-DNA position 6598, G replaced by T.
Protein change: p.Glu2200Ter; replaces glutamic acid 2200 with a stop codon.
Molecular consequence: nonsense. On other transcripts: intron variant (2).
Genome position (GRCh38, 1-based): chr11:108,325,335, G>T. VCF-style: chr11-108325335-G-T. GRCh37 (hg19) VCF-style: chr11-108196062-G-T.
Other names: c.6598G>T, p.Glu2200Ter (NM_001351834.2); c.641-16264C>A (NM_001330368.2); c.*38+9885C>A (NM_001351110.2); short protein forms E2200*.
Identifiers: ClinVar variation 849318 (VCV000849318.8), dbSNP rs2085552425, ClinGen allele CA382554696.

ClinVar aggregate classification (germline): Pathogenic (1 of 4 stars; one submission).

Conditions:
Ataxia-telangiectasia syndrome (AT). Also called: ATAXIA-TELANGIECTASIA, COMPLEMENTATION GROUP A; ATAXIA-TELANGIECTASIA, FRESNO VARIANT; Ataxia-telangiectasia; Ataxia-telangiectasia, complementation group D; AT, COMPLEMENTATION GROUP C; Ataxia-telangiectasia, complementation group E. Identifiers: Orphanet 100, MedGen C0004135, MONDO:0008840, OMIM 208900.

Submission:

Labcorp Genetics (formerly Invitae), Labcorp
Classification: Pathogenic for Ataxia-telangiectasia syndrome. Last evaluated: 2019-03-19. Review status: criteria provided, single submitter. Criteria: Invitae Variant Classification Sherloc (09022015). Collection method: clinical testing. Allele origin: germline.
Comment: This sequence change creates a premature translational stop signal (p.Glu2200*) in the ATM gene. It is expected to result in an absent or disrupted protein product. This variant is not present in population databases (ExAC no frequency). This variant has not been reported in the literature in individuals with ATM-related conditions. Loss-of-function variants in ATM are known to be pathogenic (PMID: 23807571, 25614872). For these reasons, this variant has been classified as Pathogenic.

Literature cited by the submitters: PubMed 23807571; PubMed 25614872.